The following is an entry in ClinVar:

NM_024876.4(COQ8B):c.381G>A (p.Gly127=)

Gene: COQ8B (coenzyme Q8B; minus strand). Cytogenetic location: 19q13.2.
Variant type: single nucleotide variant.
Coding change: c.381G>A on transcript NM_024876.4 (MANE Select); coding-DNA position 381, G replaced by A.
Protein change: p.Gly127=; no amino-acid change (glycine 127 retained).
Molecular consequence: synonymous variant. On other transcripts: intron variant (1).
Genome position (GRCh38, 1-based): chr19:40,705,434, C>T on the plus strand (G>A on the coding strand, the complement: COQ8B is on the minus strand). VCF-style: chr19-40705434-C-T. GRCh37 (hg19) VCF-style: chr19-41211339-C-T.
Other names: c.368-253G>A (NM_001142555.3).
Identifiers: ClinVar variation 517051 (VCV000517051.51), dbSNP rs55895642, ClinGen allele CA9450434.
Genomic context (GRCh38, chr19:40,705,434, plus strand): 5'-ACATAAGGTCTGCACAATCCGCTCGGCATTGGCCTCCGACAGGAAGGGGCTGGAGTCCAG[C>T]CCAGAACCACCCTCTGGGGAGAGAACAACCATTAGAATTATAACCACAAATATCATCACT-3'
Protein context (NP_079152.3, residues 117-137): GGRLQSEGGS[Gly127=]LDSSPFLSEA

ClinVar aggregate classification (germline): Benign/Likely benign. Review status: criteria provided, multiple submitters, no conflicts (2 of 4 stars). 7 submissions from 7 submitters: Benign (2); Likely benign (3). 2 of the submissions do not count toward it. Last evaluated 2026-09-01.

Allele frequency attached by ClinVar (database versions not stated): 1000 Genomes Project 0.00160; 1000 Genomes Project 30x 0.00187; TOPMed 0.00335; gnomAD exomes 0.00444 and 0.00507; gnomAD 0.00475 and 0.00488; ExAC 0.00518; ESP Exome Variant Server 0.00546.
gnomAD v4.1: 7,101 of 1,571,680 alleles (0.45%); highest among the groups gnomAD compares: Middle Eastern, 0.49%; 37 homozygotes.

Submissions (7):

CeGaT Center for Human Genetics Tuebingen
Classification: Likely benign. Last evaluated: 2026-09-01. Review status: criteria provided, single submitter. Criteria: CeGaT Center For Human Genetics Tuebingen Variant Classification Criteria Version 2. Collection method: clinical testing. Allele origin: germline. Affected: yes. Observed: 26 variant alleles.
Comment: COQ8B: BP4, BP7, BS2

Labcorp Genetics (formerly Invitae), Labcorp
Classification: Benign. Last evaluated: 2026-02-01. Review status: criteria provided, single submitter. Criteria: Invitae Variant Classification Sherloc (09022015). Collection method: clinical testing. Allele origin: germline.

Blueprint Genetics
Classification: Likely benign. Last evaluated: 2024-11-27. Review status: criteria provided, single submitter. Criteria: ACMG Guidelines, 2015. Collection method: clinical testing. Allele origin: germline.

GeneDx
Classification: Benign. Last evaluated: 2017-03-22. Review status: criteria provided, single submitter. Criteria: GeneDx Variant Classification (06012015). Collection method: clinical testing. Allele origin: germline. Affected: yes.
Comment: This variant is considered likely benign or benign based on one or more of the following criteria: it is a conservative change, it occurs at a poorly conserved position in the protein, it is predicted to be benign by multiple in silico algorithms, and/or has population frequency not consistent with disease.

Breakthrough Genomics
Classification: Likely benign. Review status: criteria provided, single submitter. Criteria: ACMG Guidelines, 2015. Collection method: not provided. Allele origin: germline. Inheritance: Autosomal recessive inheritance. Affected: yes.

Genetic Services Laboratory, University of Chicago
Classification: Benign. Last evaluated: 2022-12-01. Review status: no assertion criteria provided. Collection method: clinical testing. Allele origin: germline. Affected: no. Not counted in ClinVar's aggregate classification.

Mayo Clinic Laboratories, Mayo Clinic
Classification: Likely benign. Last evaluated: 2016-02-23. Review status: no assertion criteria provided. Collection method: clinical testing. Allele origin: unknown. Not counted in ClinVar's aggregate classification.